The following is an entry in ClinVar:

ClinVar aggregate classification (germline): Uncertain significance. Review status: criteria provided, multiple submitters, no conflicts (2 of 4 stars). 2 submissions from 2 submitters: Uncertain significance (2). Last evaluated 2019-09-13.

Conditions:
Inborn genetic diseases. Identifiers: MedGen C0950123, MeSH D030342.
Ornithine carbamoyltransferase deficiency (OTCD). Also called: OTC DEFICIENCY; ORNITHINE TRANSCARBAMYLASE DEFICIENCY; ORNITHINE TRANSCARBAMYLASE DEFICIENCY, HYPERAMMONEMIA DUE TO; Ornithine Carbamoyltransferase Deficiency Disease. Identifiers: Orphanet 664, MedGen C0268542, MONDO:0010703, OMIM 311250.

Submissions (2):

Labcorp Genetics (formerly Invitae), Labcorp
Classification: Uncertain significance for Ornithine carbamoyltransferase deficiency. Last evaluated: 2019-09-13. Review status: criteria provided, single submitter. Criteria: Invitae Variant Classification Sherloc (09022015). Collection method: clinical testing. Allele origin: germline.
Comment: This variant is not present in population databases (ExAC no frequency). This variant, c.956_958del, results in the deletion of 1 amino acid(s) of the OTC protein (p.Pro319del), but otherwise preserves the integrity of the reading frame. In summary, the available evidence is currently insufficient to determine the role of this variant in disease. Therefore, it has been classified as a Variant of Uncertain Significance. ClinVar contains an entry for this variant (Variation ID: 521440).

Ambry Genetics
Classification: Uncertain significance for Inborn genetic diseases. Last evaluated: 2017-04-06. Review status: criteria provided, single submitter. Criteria: Ambry exome assertion method (8-5-2015). Collection method: clinical testing. Allele origin: germline. Affected: yes. Observed: 1 variant allele.

NM_000531.6(OTC):c.953CTC[1] (p.Pro319del)

Gene: OTC (ornithine transcarbamylase; plus strand). Cytogenetic location: Xp11.4.
Variant type: Microsatellite.
Coding change: c.953CTC[1] on transcript NM_000531.6 (MANE Select); one copy of the 3-base unit CTC starting at c.953; the reference has two copies in a row; one copy, 3 bases deleted; also written c.956_958del.
Protein change: p.Pro319del; deletes proline 319.
Molecular consequence: inframe deletion.
Genome position (GRCh38, 1-based): chrX:38,411,950-38,411,952, CTC deleted; deleting any 3 consecutive bases within chrX:38,411,947-38,411,952 gives the same sequence; the position shown is the placement nearest the transcript's 3' end. VCF-style (leftmost placement, unchanged base first): chrX-38411946-TCTC-T. GRCh37 (hg19) VCF-style: chrX-38271199-TCTC-T.
Other names: c.956_958del (NM_000531.5); short protein forms P319del.
Identifiers: ClinVar variation 521440 (VCV000521440.14), dbSNP rs1555976710, ClinGen allele CA658799702.